The following is an entry in ClinVar:

ClinVar aggregate classification (germline): Likely benign. Review status: criteria provided, multiple submitters, no conflicts (2 of 4 stars). 2 submissions from 2 submitters: Likely benign (2). Last evaluated 2021-10-04.

Conditions:
Kostmann syndrome (SCN3). Also called: KOSTMANN DISEASE; Autosomal recessive severe congenital neutropenia type 3. Identifiers: Orphanet 99749, MedGen C5235141, MONDO:0012548, OMIM 610738.

Allele frequency attached by ClinVar (database versions not stated): gnomAD exomes below 0.00001.

Submissions (2):

Labcorp Genetics (formerly Invitae), Labcorp
Classification: Likely benign for Kostmann syndrome. Last evaluated: 2021-10-04. Review status: criteria provided, single submitter. Criteria: Invitae Variant Classification Sherloc (09022015). Collection method: clinical testing. Allele origin: germline.

GeneDx
Classification: Likely benign. Last evaluated: 2016-01-18. Review status: criteria provided, single submitter. Criteria: GeneDx Variant Classification (06012015). Collection method: clinical testing. Allele origin: germline. Affected: yes.
Comment: This variant is considered likely benign or benign based on one or more of the following criteria: it is a conservative change, it occurs at a poorly conserved position in the protein, it is predicted to be benign by multiple in silico algorithms, and/or has population frequency not consistent with disease.

NM_006118.4(HAX1):c.123G>C (p.Gly41=)

Gene: HAX1 (HCLS1 associated protein X-1; plus strand). Cytogenetic location: 1q21.3.
Variant type: single nucleotide variant.
Coding change: c.123G>C on transcript NM_006118.4 (MANE Select); coding-DNA position 123, G replaced by C.
Protein change: p.Gly41=; no amino-acid change (glycine 41 retained).
Molecular consequence: synonymous variant. On other transcripts: intron variant (1).
Genome position (GRCh38, 1-based): chr1:154,273,405, G>C. VCF-style: chr1-154273405-G-C. GRCh37 (hg19) VCF-style: chr1-154245881-G-C.
Other names: c.54-75G>C (NM_001018837.2).
Identifiers: ClinVar variation 383338 (VCV000383338.8), dbSNP rs1057521590, ClinGen allele CA16603418.
Genomic context (GRCh38, chr1:154,273,405, plus strand): 5'-TCCCTTTTTTGGAGGGATGACTCGAGATGAAGATGATGATGAGGAAGAAGAAGAAGAAGG[G>C]GGCTCATGGGGCCGTGGGAACCCAAGGTTCCATAGTCCTCAGCACCCCCCTGAGGAATTT-3'
Protein context (NP_006109.2, residues 31-51): EDDDEEEEEE[Gly41=]GSWGRGNPRF